The following is an entry in ClinVar:

NM_001023570.4(IQCB1):c.1532_1536dup (p.Gln513Ter)

Gene: IQCB1 (IQ motif containing B1; minus strand). Cytogenetic location: 3q13.33.
Variant type: Duplication.
Coding change: c.1532_1536dup on transcript NM_001023570.4 (MANE Select); coding-DNA positions 1532 to 1536, 5 bases duplicated (TAGCA; older notation c.1532_1536dupTAGCA).
Protein change: p.Gln513Ter; replaces glutamine 513 with a stop codon.
Molecular consequence: nonsense. On other transcripts: non-coding transcript variant (1).
Genome position (GRCh38, 1-based): chr3:121,772,588-121,772,592, TGCTA duplicated on the plus strand (TAGCA on the coding strand, the reverse complement: IQCB1 is on the minus strand); duplicating any 5 consecutive bases within chr3:121,772,588-121,772,593 gives the same sequence; the c. name uses the placement nearest the transcript's 3' end. VCF-style (leftmost placement, unchanged base first): chr3-121772587-G-GTGCTA. GRCh37 (hg19) VCF-style: chr3-121491434-G-GTGCTA.
Other names: c.1532_1536dup5 (NM_001023570.3); c.1133_1137dup, p.Gln380Ter (NM_001023571.4); c.1532_1536dup, p.Gln513Ter (NM_001319107.2); short protein forms Q513*, Q380*.
Identifiers: ClinVar variation 1983358 (VCV001983358.6), dbSNP rs1189770602, ClinGen allele CA545635967.

ClinVar aggregate classification (germline): Pathogenic/Likely pathogenic. Review status: criteria provided, multiple submitters, no conflicts (2 of 4 stars). 3 submissions from 3 submitters: Pathogenic (2); Likely pathogenic (1). Last evaluated 2025-05-08.

Conditions:
Nephronophthisis. Also called: Juvenile Nephronophthisis. Identifiers: Orphanet 655, MedGen C0687120, MONDO:0019005, HP:0000090.
IQCB1-related disorder. Also called: IQCB1-related condition.
Senior-Loken syndrome 5 (SLSN5). Identifiers: Orphanet 3156, MedGen C1836517, MONDO:0012225, OMIM 609254.

Submissions (3):

PreventionGenetics, part of Exact Sciences
Classification: Likely pathogenic for IQCB1-related condition. Last evaluated: 2025-05-08. Review status: criteria provided, single submitter. Criteria: ACMG Guidelines, 2015. Collection method: clinical testing. Allele origin: germline.
Comment: The IQCB1 c.1532_1536dup5 variant is predicted to result in premature protein termination (p.Gln513*). This variant has been reported along with a second causative IQCB1 variant in an individual with Leber congenital amaurosis (described as c.1535_1536insATAGC, p.Q512X in Estrada-Cuzcano et al. 2011. PubMed ID: 20881296). This variant is reported in 0.013% of alleles in individuals of European (Non-Finnish) descent in gnomAD. This variant is not expected to undergo nonsense mediated decay; however, protein truncating variants have been reported in individuals with IQCB1-related conditions (for example, Table S3, Trujillano et al. 2017. PubMed ID: 27848944; Table S1, Petzold et al. 2023. PubMed ID: 37230223; Table S2, Weisschuh et al. 2020. PubMed ID: 32531858). This variant is interpreted as likely pathogenic.

Baylor Genetics
Classification: Pathogenic for Senior-Loken syndrome 5. Last evaluated: 2023-10-20. Review status: criteria provided, single submitter. Criteria: ACMG Guidelines, 2015. Collection method: clinical testing. Allele origin: unknown.

Labcorp Genetics (formerly Invitae), Labcorp
Classification: Pathogenic for Nephronophthisis. Last evaluated: 2022-05-04. Review status: criteria provided, single submitter. Criteria: Invitae Variant Classification Sherloc (09022015). Collection method: clinical testing. Allele origin: germline.
Comment: This variant is present in population databases (no rsID available, gnomAD 0.01%). For these reasons, this variant has been classified as Pathogenic. This variant disrupts a region of the IQCB1 protein in which other variant(s) (p.Gln520*) have been determined to be pathogenic (PMID: 26766544, 29068479, 32531858). This suggests that this is a clinically significant region of the protein, and that variants that disrupt it are likely to be disease-causing. This premature translational stop signal has been observed in individual(s) with leber congenital amaurosis (PMID: 20881296). This sequence change creates a premature translational stop signal (p.Gln513*) in the IQCB1 gene. While this is not anticipated to result in nonsense mediated decay, it is expected to disrupt the last 86 amino acid(s) of the IQCB1 protein.

Literature cited by the submitters: PubMed 26766544 (cited by Labcorp Genetics (formerly Invitae), Labcorp); PubMed 29068479 (cited by Labcorp Genetics (formerly Invitae), Labcorp); PubMed 32531858 (cited by Labcorp Genetics (formerly Invitae), Labcorp); PubMed 20881296 (cited by Labcorp Genetics (formerly Invitae), Labcorp).